The following is an entry in ClinVar:

Conditions:
Breast-ovarian cancer, familial, susceptibility to, 1 (BROVCA1). Also called: BRCA1 Hereditary Breast and Ovarian Cancer; OVARIAN CANCER, SUSCEPTIBILITY TO. Identifiers: Orphanet 145, MedGen C2676676, MONDO:0011450, OMIM 604370. Disease mechanism: loss of function.

Submission:

Brotman Baty Institute, University of Washington
No classification provided (evidence only). Condition: Breast-ovarian cancer, familial 1. Review status: no classification provided. Collection method: in vitro. Allele origin: not applicable. Functional consequence: functionally_normal.
ClinVar note: "not provided" was previously submitted as the classification for the variant. However, the classification appeared to be based only on an observation of functional data so it was converted to no classification on 2025-07-30.

NM_007294.4(BRCA1):c.5094A>C (p.Glu1698Asp)

Gene: BRCA1 (BRCA1 DNA repair associated; minus strand). Cytogenetic location: 17q21.31.
Variant type: single nucleotide variant.
Coding change: c.5094A>C on transcript NM_007294.4 (MANE Select); coding-DNA position 5094, A replaced by C.
Protein change: p.Glu1698Asp; replaces glutamic acid 1698 with aspartic acid.
Molecular consequence: missense variant. On other transcripts: non-coding transcript variant (1).
Genome position (GRCh38, 1-based): chr17:43,063,932, T>G on the plus strand (A>C on the coding strand, the complement: BRCA1 is on the minus strand). VCF-style: chr17-43063932-T-G. GRCh37 (hg19) VCF-style: chr17-41215949-T-G.
Other names: c.1659A>C, p.Glu553Asp (NM_001408438.1, NM_001408432.1, NM_001408433.1 and 10 more transcripts); c.1656A>C, p.Glu552Asp (NM_001408450.1, NM_001408445.1, NM_001408446.1 and 2 more transcripts); c.1650A>C, p.Glu550Asp (NM_001408451.1); c.1644A>C, p.Glu548Asp (NM_001408452.1, NM_001408453.1, NM_001408454.1 and 3 more transcripts); c.1641A>C, p.Glu547Asp (NM_001408458.1, NM_001408459.1, NM_001408460.1 and 7 more transcripts); c.1638A>C, p.Glu546Asp (NM_001408469.1, NM_001408470.1, NM_001408468.1); c.1782A>C, p.Glu594Asp (NM_001408472.1, NM_007298.4, NM_007299.4 and 13 more transcripts); c.1779A>C, p.Glu593Asp (NM_001408473.1, NM_001408392.1, NM_001408396.1 and 8 more transcripts); and 71 more; short protein forms E1719D, E594D, E1651D, E1698D, E1544D, E1570D, E1585D, E1608D.
Identifiers: ClinVar variation 868636 (VCV000868636.3), dbSNP rs764891781, ClinGen allele CA10591336.
Genomic context (GRCh38, chr17:43,063,932, plus strand): 5'-ACAGAAATAGCTAACTACCCATTTTCCTCCCGCAATTCCTAGAAAATATTTCAGTGTCCG[T>G]TCACACACAAACTCAGCATCTGCAGAATGAAAAACACTCAAAGGATTAGAAGTTGAAAAC-3'
Protein context (NP_009225.1, residues 1688-1708): VMKTDAEFVC[Glu1698Asp]RTLKYFLGIA